The following is an entry in ClinVar:

NM_000077.5(CDKN2A):c.8C>T (p.Pro3Leu)

Genes: CDKN2A (cyclin dependent kinase inhibitor 2A; minus strand), LOC130001603 (ATAC-STARR-seq lymphoblastoid silent region 19811; plus strand). Cytogenetic location: 9p21.3.
Variant type: single nucleotide variant.
Coding change: c.8C>T on transcript NM_000077.5; coding-DNA position 8, C replaced by T.
Protein change: p.Pro3Leu; replaces proline 3 with leucine.
Molecular consequence: missense variant (on NM_000077.6). On other transcripts: intron variant (2).
Genome position (GRCh38, 1-based): chr9:21,974,820, G>A on the plus strand (C>T on the coding strand, the complement: CDKN2A is on the minus strand). VCF-style: chr9-21974820-G-A. GRCh37 (hg19) VCF-style: chr9-21974819-G-A.
Other names: c.8C>T, p.Pro3Leu (NM_000077.6, NM_001195132.2, NM_058197.5); c.-3-3612C>T (NM_001363763.2); c.194-3612C>T (NM_058195.4); short protein forms P3L.
Identifiers: ClinVar variation 1448238 (VCV001448238.10), dbSNP rs1819968085, ClinGen allele CA373086729.

ClinVar aggregate classification (germline): Conflicting classifications of pathogenicity. Review status: criteria provided, conflicting classifications (1 of 4 stars). 3 submissions from 3 submitters: Uncertain significance (2); Likely benign (1). Last evaluated 2026-01-28.

Conditions:
Familial melanoma. Also called: Hereditary melanoma; Hereditary cutaneous melanoma. Identifiers: Orphanet 618, MedGen C1512419, MONDO:0018961.
Hereditary cancer-predisposing syndrome. Also called: Tumor predisposition; Hereditary neoplastic syndrome; Neoplastic Syndromes, Hereditary; Hereditary Cancer Syndrome. Identifiers: Orphanet 140162, MedGen C0027672, MeSH D009386, MONDO:0015356.

Allele frequency attached by ClinVar (database versions not stated): gnomAD exomes below 0.00001.
gnomAD v4.1: 2 of 1,598,044 alleles (0.00013%); highest among the groups gnomAD compares: East Asian, 0.0022%; no homozygotes.

Submissions (3):

Labcorp Genetics (formerly Invitae), Labcorp
Classification: Uncertain significance for Familial melanoma. Last evaluated: 2026-01-28. Review status: criteria provided, single submitter. Criteria: Invitae Variant Classification Sherloc (09022015). Collection method: clinical testing. Allele origin: germline.
Comment: This sequence change replaces proline, which is neutral and non-polar, with leucine, which is neutral and non-polar, at codon 3 of the CDKN2A (p16INK4a) protein (p.Pro3Leu). This variant is not present in population databases (gnomAD no frequency). This variant has not been reported in the literature in individuals affected with CDKN2A (p16INK4a)-related conditions. ClinVar contains an entry for this variant (Variation ID: 1448238). An algorithm developed to predict the effect of missense changes on protein structure and function (PolyPhen-2) suggests that this variant is likely to be tolerated. In summary, the available evidence is currently insufficient to determine the role of this variant in disease. Therefore, it has been classified as a Variant of Uncertain Significance.

Ambry Genetics
Classification: Likely benign for Hereditary cancer-predisposing syndrome. Last evaluated: 2024-01-30. Review status: criteria provided, single submitter. Criteria: Ambry Variant Classification Scheme 2023. Collection method: clinical testing. Allele origin: germline.

Sema4
Classification: Uncertain significance for Hereditary cancer-predisposing syndrome. Last evaluated: 2021-11-03. Review status: criteria provided, single submitter. Criteria: Sema4 Curation Guidelines. Collection method: curation. Allele origin: germline.
Comment: The CDKN2A c.8C>T (p.P3L) variant has not been reported in the literature to our knowledge. It was not observed in the large and broad cohorts of the Genome Aggregation Database, nor has it been reported in ClinVar. Functional studies have not been performed, and in silico predictions of the variant's effect on protein function are inconclusive. The evidence is insufficient to meet ACMG/AMP criteria for classifying the variant as benign or pathogenic. Thus, the clinical significance of this variant is currently uncertain.